The following is an entry in ClinVar:

NM_001114748.2(TMEM240):c.324C>T (p.Asp108=)

Gene: TMEM240 (transmembrane protein 240; minus strand). Cytogenetic location: 1p36.33.
Variant type: single nucleotide variant.
Coding change: c.324C>T on transcript NM_001114748.2 (MANE Select); coding-DNA position 324, C replaced by T.
Protein change: p.Asp108=; no amino-acid change (aspartic acid 108 retained).
Molecular consequence: synonymous variant.
Genome position (GRCh38, 1-based): chr1:1,535,638, G>A on the plus strand (C>T on the coding strand, the complement: TMEM240 is on the minus strand). VCF-style: chr1-1535638-G-A. GRCh37 (hg19) VCF-style: chr1-1471018-G-A.
Identifiers: ClinVar variation 2712317 (VCV002712317.4), dbSNP rs773451198, ClinGen allele CA526682.

ClinVar aggregate classification (germline): Likely benign. Review status: criteria provided, multiple submitters, no conflicts (2 of 4 stars). 2 submissions from 2 submitters: Likely benign (2). Last evaluated 2024-11-11.

Allele frequency attached by ClinVar (database versions not stated): gnomAD exomes 0.00002; gnomAD 0.00009; ExAC 0.00011; TOPMed 0.00015.
gnomAD v4.1: 39 of 1,549,746 alleles (0.0025%); highest among the groups gnomAD compares: Admixed American, 0.02%; no homozygotes.

Submissions (2):

Labcorp Genetics (formerly Invitae), Labcorp
Classification: Likely benign. Last evaluated: 2024-11-11. Review status: criteria provided, single submitter. Criteria: Invitae Variant Classification Sherloc (09022015). Collection method: clinical testing. Allele origin: germline.

Women's Health and Genetics/Laboratory Corporation of America, LabCorp
Classification: Likely benign. Last evaluated: 2024-07-26. Review status: criteria provided, single submitter. Criteria: LabCorp Variant Classification Summary - May 2015. Collection method: clinical testing. Allele origin: germline.
Comment: Variant summary: TMEM240 c.324C>T alters a conserved nucleotide resulting in a synonymous change. Consensus agreement among computation tools predict no significant impact on normal splicing. However, these predictions have yet to be confirmed by functional studies. The variant allele was found at a frequency of 4.5e-05 in 153902 control chromosomes. The available data on variant occurrences in the general population are insufficient to allow any conclusion about variant significance. To our knowledge, no occurrence of c.324C>T in individuals affected with Spinocerebellar Ataxia Type 21 and no experimental evidence demonstrating its impact on protein function have been reported. ClinVar contains an entry for this variant (Variation ID: 2712317). Based on the evidence outlined above, the variant was classified as likely benign.